The following is an entry in ClinVar:

ClinVar aggregate classification (germline): Likely benign. Review status: criteria provided, multiple submitters, no conflicts (2 of 4 stars). 6 submissions from 6 submitters: Likely benign (4). 2 of the submissions do not count toward it. Last evaluated 2026-02-01.

Allele frequency attached by ClinVar (database versions not stated): gnomAD exomes 0.00113 and 0.00059; ExAC 0.00052; gnomAD 0.00076 and 0.00080; TOPMed 0.00076; ESP Exome Variant Server 0.00108; 1000 Genomes Project 30x 0.00016; 1000 Genomes Project 0.00020.
gnomAD v4.1: 1,735 of 1,602,758 alleles (0.11%); highest among the groups gnomAD compares: Non-Finnish European, 0.14%; 2 homozygotes.

Submissions (6):

Labcorp Genetics (formerly Invitae), Labcorp
Classification: Likely benign. Last evaluated: 2026-02-01. Review status: criteria provided, single submitter. Criteria: Invitae Variant Classification Sherloc (09022015). Collection method: clinical testing. Allele origin: germline.

Blueprint Genetics
Classification: Likely benign. Last evaluated: 2024-10-09. Review status: criteria provided, single submitter. Criteria: ACMG Guidelines, 2015. Collection method: clinical testing. Allele origin: germline.

GeneDx
Classification: Likely benign. Last evaluated: 2020-10-21. Review status: criteria provided, single submitter. Criteria: GeneDx Variant Classification Process June 2021. Collection method: clinical testing. Allele origin: germline. Affected: yes.

Laboratory for Molecular Medicine, Mass General Brigham Personalized Medicine
Classification: Likely benign. Last evaluated: 2016-06-21. Review status: criteria provided, single submitter. Criteria: LMM Criteria. Collection method: clinical testing. Allele origin: germline. Observed: 2 variant alleles.
Comment: p.Glu235Glu in exon 2 of USH1G: This variant is not expected to have clinical si gnificance because it does not alter an amino acid residue and is not located ne ar a splice junction. This variant has been identified in 58/64382 of European c hromosomes by the Exome Aggregation Consortium (ExAC .org; dbSNP rs149002004).

Clinical Genetics DNA and cytogenetics Diagnostics Lab, Erasmus MC, Erasmus Medical Center
Classification: Likely benign. Review status: no assertion criteria provided. Collection method: clinical testing. Allele origin: germline. Affected: yes. Study: VKGL Data-share Consensus. Not counted in ClinVar's aggregate classification.

Clinical Genetics, Academic Medical Center
Classification: Benign. Review status: no assertion criteria provided. Collection method: clinical testing. Allele origin: germline. Affected: yes. Study: VKGL Data-share Consensus. Not counted in ClinVar's aggregate classification.

NM_173477.5(USH1G):c.705G>A (p.Glu235=)

Gene: USH1G (USH1 protein network component sans; minus strand). Cytogenetic location: 17q25.1.
Variant type: single nucleotide variant.
Coding change: c.705G>A on transcript NM_173477.5 (MANE Select); coding-DNA position 705, G replaced by A.
Protein change: p.Glu235=; no amino-acid change (glutamic acid 235 retained).
Molecular consequence: synonymous variant.
Genome position (GRCh38, 1-based): chr17:74,920,131, C>T on the plus strand (G>A on the coding strand, the complement: USH1G is on the minus strand). VCF-style: chr17-74920131-C-T. GRCh37 (hg19) VCF-style: chr17-72916226-C-T.
Other names: c.396G>A, p.Glu132= (NM_001282489.3).
Identifiers: ClinVar variation 48136 (VCV000048136.20), dbSNP rs149002004, ClinGen allele CA142664.